The following is an entry in ClinVar:

ClinVar aggregate classification (germline): Uncertain significance (1 of 4 stars; one submission).

Conditions:
Neurofibromatosis, type 1 (NF1). Also called: NEUROFIBROMATOSIS, TYPE I, SOMATIC; Peripheral type neurofibromatosis; Neurofibromatosis, type I; VON RECKLINGHAUSEN DISEASE. Identifiers: Orphanet 636, MedGen C0027831, MONDO:0018975, OMIM 162200. Disease mechanism: loss of function.

Submission:

Labcorp Genetics (formerly Invitae), Labcorp
Classification: Uncertain significance for Neurofibromatosis, type 1. Last evaluated: 2024-12-18. Review status: criteria provided, single submitter. Criteria: Invitae Variant Classification Sherloc (09022015). Collection method: clinical testing. Allele origin: germline.
Comment: This sequence change falls in intron 31 of the NF1 gene. It does not directly change the encoded amino acid sequence of the NF1 protein. It affects a nucleotide within the consensus splice site. This variant is not present in population databases (gnomAD no frequency). This variant has not been reported in the literature in individuals affected with NF1-related conditions. Variants that disrupt the consensus splice site are a relatively common cause of aberrant splicing (PMID: 17576681, 9536098). Algorithms developed to predict the effect of sequence changes on RNA splicing suggest that this variant is not likely to affect RNA splicing. In summary, the available evidence is currently insufficient to determine the role of this variant in disease. Therefore, it has been classified as a Variant of Uncertain Significance.

Literature cited by the submitters: PubMed 17576681; PubMed 9536098.

NM_001042492.3(NF1):c.4332+4A>C

Gene: NF1 (neurofibromin 1; plus strand). Cytogenetic location: 17q11.2.
Variant type: single nucleotide variant.
Coding change: c.4332+4A>C on transcript NM_001042492.3 (MANE Select); 4 bases into the intron after coding-DNA position 4332, A replaced by C.
Molecular consequence: intron variant.
Genome position (GRCh38, 1-based): chr17:31,258,506, A>C. VCF-style: chr17-31258506-A-C. GRCh37 (hg19) VCF-style: chr17-29585524-A-C.
Other names: c.4269+4A>C (NM_000267.4).
Identifiers: ClinVar variation 3727558 (VCV003727558.2).